The following is an entry in ClinVar:

ClinVar aggregate classification (germline): Likely benign (0 of 4 stars; one submission).

Conditions:
RSPH1-related disorder. Also called: RSPH1-related condition.

Submission:

PreventionGenetics, part of Exact Sciences
Classification: Likely benign for RSPH1-related condition. Last evaluated: 2019-06-07. Review status: no assertion criteria provided. Collection method: clinical testing. Allele origin: germline.
Comment: This variant is classified as likely benign based on ACMG/AMP sequence variant interpretation guidelines (Richards et al. 2015 PMID: 25741868, with internal and published modifications).

NM_080860.4(RSPH1):c.727+4T>C

Gene: RSPH1 (radial spoke head component 1; minus strand). Cytogenetic location: 21q22.3.
Variant type: single nucleotide variant.
Coding change: c.727+4T>C on transcript NM_080860.4 (MANE Select); 4 bases into the intron after coding-DNA position 727, T replaced by C.
Molecular consequence: intron variant.
Genome position (GRCh38, 1-based): chr21:42,477,287, A>G on the plus strand (T>C on the coding strand, the complement: RSPH1 is on the minus strand). VCF-style: chr21-42477287-A-G. GRCh37 (hg19) VCF-style: chr21-43897397-A-G.
Other names: c.613+4T>C (NM_001286506.2).
Identifiers: ClinVar variation 3044375 (VCV003044375.2), dbSNP rs2054075716, ClinGen allele CA2577613168.